The following is an entry in ClinVar:

ClinVar aggregate classification (germline): Likely pathogenic (1 of 4 stars; one submission).

Conditions:
Familial cancer of breast. Also called: Hereditary breast cancer; BREAST CANCER, FAMILIAL; hereditary breast carcinoma. Identifiers: Orphanet 227535, MedGen C0346153, MONDO:0016419, OMIM 114480. Disease mechanism: loss of function.

Submission:

Myriad Genetics, Inc.
Classification: Likely pathogenic for Familial cancer of breast. Last evaluated: 2023-06-27. Review status: criteria provided, single submitter. Criteria: Myriad Autosomal Dominant, Autosomal Recessive and X-Linked Classification Criteria (2023). Collection method: clinical testing. Allele origin: unknown.
Comment: This variant is considered likely pathogenic. This variant occurs within a consensus splice junction and is predicted to result in abnormal mRNA splicing of either an out-of-frame exon or an in-frame exon necessary for protein stability and/or normal function.

NM_007194.4(CHEK2):c.1095+1dup

Gene: CHEK2 (checkpoint kinase 2; minus strand). Cytogenetic location: 22q12.1.
Variant type: Duplication.
Coding change: c.1095+1dup on transcript NM_007194.4 (MANE Select); the canonical splice donor site of the intron after coding-DNA position 1095, one base duplicated (G; older notation c.1095+1dupG).
Molecular consequence: splice donor variant. On other transcripts: intron variant (3).
Genome position (GRCh38, 1-based): chr22:28,696,900, C duplicated on the plus strand (G on the coding strand, the reverse complement: CHEK2 is on the minus strand); the first of 2 consecutive C bases (chr22:28,696,900-28,696,901); duplicating either gives the same sequence. VCF-style (leftmost placement, unchanged base first): chr22-28696899-A-AC. GRCh37 (hg19) VCF-style: chr22-29092887-A-AC.
Other names: c.432+1dup (NM_001437942.1, NM_001257387.3); c.894+1dup (NM_001349956.3); c.1009-1027dup (NM_145862.3); c.1102-1027dup (NM_001438295.1); c.1188+1dup (NM_001438293.1); c.1138-1027dup (NM_001438294.1); c.1224+1dup (NM_001005735.3).
Identifiers: ClinVar variation 2583256 (VCV002583256.2), dbSNP rs2517819962, ClinGen allele CA2582342805.